The following is an entry in ClinVar:

NM_001035.3(RYR2):c.2161G>A (p.Asp721Asn)

Gene: RYR2 (ryanodine receptor 2; plus strand). Cytogenetic location: 1q43.
Variant type: single nucleotide variant.
Coding change: c.2161G>A on transcript NM_001035.3 (MANE Select); coding-DNA position 2161, G replaced by A.
Protein change: p.Asp721Asn; replaces aspartic acid 721 with asparagine.
Molecular consequence: missense variant.
Genome position (GRCh38, 1-based): chr1:237,496,710, G>A. VCF-style: chr1-237496710-G-A. GRCh37 (hg19) VCF-style: chr1-237660010-G-A.
Other names: short protein forms D721N.
Identifiers: ClinVar variation 1171339 (VCV001171339.3), dbSNP rs867855587, ClinGen allele CA39825251.

ClinVar aggregate classification (germline): Uncertain significance (1 of 4 stars; one submission).

Conditions:
Cardiomyopathy (CMYO). Also called: Cardiomyopathies. Identifiers: Orphanet 167848, MedGen C0878544, MONDO:0004994, HP:0001638. Inheritance: Various modes of inheritance.

Submission:

Color Diagnostics, LLC DBA Color Health
Classification: Uncertain significance for Cardiomyopathy. Last evaluated: 2024-03-06. Review status: criteria provided, single submitter. Criteria: ACMG Guidelines, 2015. Collection method: clinical testing. Allele origin: germline.
Comment: This variant is located in the RYR2 protein. Computational prediction is inconclusive regarding the impact of this variant on protein structure and function (internally defined REVEL score threshold 0.5 < inconclusive < 0.7, PMID: 27666373). To our knowledge, functional studies have not been reported for this variant. This variant has not been reported in individuals affected with cardiovascular disorders in the literature. This variant has not been identified in the general population by the Genome Aggregation Database (gnomAD). The available evidence is insufficient to determine the role of this variant in disease conclusively. Therefore, this variant is classified as a Variant of Uncertain Significance.